The following is an entry in ClinVar:

NM_031935.3(HMCN1):c.15440-13C>T

Gene: HMCN1 (hemicentin 1; plus strand). Cytogenetic location: 1q31.1.
Variant type: single nucleotide variant.
Coding change: c.15440-13C>T on transcript NM_031935.3 (MANE Select); 13 bases into the intron before coding-DNA position 15440, C replaced by T.
Molecular consequence: intron variant.
Genome position (GRCh38, 1-based): chr1:186,166,795, C>T. VCF-style: chr1-186166795-C-T. GRCh37 (hg19) VCF-style: chr1-186135927-C-T.
Identifiers: ClinVar variation 294292 (VCV000294292.13), dbSNP rs12034495, ClinGen allele CA1295260.
Genomic context (GRCh38, chr1:186,166,795, plus strand): 5'-CCCTATTTCACCGCAGGTTCTTGGGCTGGGTGTTCTTCAGCTCACCTCAGTTGAATGATT[C>T]CCTCTGTTGCAGATATTGATGAGTGTGCTTTGGGTAGGCATACCTGCCACGCTGGTCAGG-3'

ClinVar aggregate classification (germline): Benign. Review status: criteria provided, multiple submitters, no conflicts (2 of 4 stars). 3 submissions from 3 submitters: Benign (3). Last evaluated 2026-01-05.

Conditions:
Age related macular degeneration 1 (ARMD1). Also called: MACULOPATHY, AGE-RELATED, 1. Identifiers: MedGen C1864205, MONDO:0011285, OMIM 603075.

Allele frequency attached by ClinVar (database versions not stated): gnomAD 0.00081 and 0.00131; gnomAD exomes 0.00145 and 0.00259; TOPMed 0.00155; ExAC 0.00257; 1000 Genomes Project 30x 0.00640; 1000 Genomes Project 0.00739.
gnomAD v4.1: 2,326 of 1,614,086 alleles (0.14%); highest among the groups gnomAD compares: East Asian, 4.8%; 61 homozygotes.

Submissions (3):

Labcorp Genetics (formerly Invitae), Labcorp
Classification: Benign. Last evaluated: 2026-01-05. Review status: criteria provided, single submitter. Criteria: Invitae Variant Classification Sherloc (09022015). Collection method: clinical testing. Allele origin: germline.

Genome-Nilou Lab
Classification: Benign for Age related macular degeneration 1. Last evaluated: 2023-04-11. Review status: criteria provided, single submitter. Criteria: ACMG Guidelines, 2015. Collection method: clinical testing. Allele origin: germline. Affected: no.

Illumina Laboratory Services, Illumina
Classification: Benign for Age related macular degeneration 1. Last evaluated: 2018-01-12. Review status: criteria provided, single submitter. Criteria: ICSL Variant Classification Criteria 13 December 2019. Collection method: clinical testing. Allele origin: germline.
Comment: This variant was observed in the ICSL laboratory as part of a predisposition screen in an ostensibly healthy population. It had not been previously curated by ICSL or reported in the Human Gene Mutation Database (HGMD: prior to June 1st, 2018), and was therefore a candidate for classification through an automated scoring system. Utilizing variant allele frequency, disease prevalence and penetrance estimates, and inheritance mode, an automated score was calculated to assess if this variant is too frequent to cause the disease. Based on the score and internal cut-off values, a variant classified as benign is not then subjected to further curation. The score for this variant resulted in a classification of benign for this disease.